The following is an entry in ClinVar:

NM_001130009.3(GEN1):c.2651A>C (p.Glu884Ala)

Gene: GEN1 (GEN1 structure-specific endonuclease; plus strand). Cytogenetic location: 2p24.2.
Variant type: single nucleotide variant.
Coding change: c.2651A>C on transcript NM_001130009.3 (MANE Select); coding-DNA position 2651, A replaced by C.
Protein change: p.Glu884Ala; replaces glutamic acid 884 with alanine.
Molecular consequence: missense variant.
Genome position (GRCh38, 1-based): chr2:17,781,863, A>C. VCF-style: chr2-17781863-A-C. GRCh37 (hg19) VCF-style: chr2-17963130-A-C.
Other names: c.2651A>C, p.Glu884Ala (NM_182625.5); short protein forms E884A.
Identifiers: ClinVar variation 2754126 (VCV002754126.3), dbSNP rs1672858182, ClinGen allele CA345928526.

ClinVar aggregate classification (germline): Uncertain significance (1 of 4 stars; one submission).

Submission:

Labcorp Genetics (formerly Invitae), Labcorp
Classification: Uncertain significance. Last evaluated: 2023-08-20. Review status: criteria provided, single submitter. Criteria: Invitae Variant Classification Sherloc (09022015). Collection method: clinical testing. Allele origin: germline.
Comment: In summary, the available evidence is currently insufficient to determine the role of this variant in disease. Therefore, it has been classified as a Variant of Uncertain Significance. An algorithm developed to predict the effect of missense changes on protein structure and function (PolyPhen-2) suggests that this variant is likely to be tolerated. This variant has not been reported in the literature in individuals affected with GEN1-related conditions. This variant is not present in population databases (gnomAD no frequency). This sequence change replaces glutamic acid, which is acidic and polar, with alanine, which is neutral and non-polar, at codon 884 of the GEN1 protein (p.Glu884Ala).